The following is an entry in ClinVar:

ClinVar aggregate classification (germline): Uncertain significance. Review status: criteria provided, multiple submitters, no conflicts (2 of 4 stars). 2 submissions from 2 submitters: Uncertain significance (2). Last evaluated 2025-02-06.

Conditions:
Inborn genetic diseases. Identifiers: MedGen C0950123, MeSH D030342.

Allele frequency attached by ClinVar (database versions not stated): gnomAD exomes 0.00001 and 0.00006; ExAC 0.00007; gnomAD 0.00027 and 0.00030; TOPMed 0.00039; ESP Exome Variant Server 0.00046.
gnomAD v4.1: 62 of 1,614,146 alleles (0.0038%); highest among the groups gnomAD compares: African/African-American, 0.079%; no homozygotes.

Submissions (2):

Ambry Genetics
Classification: Uncertain significance for Inborn genetic diseases. Last evaluated: 2025-02-06. Review status: criteria provided, single submitter. Criteria: Ambry Variant Classification Scheme 2023. Collection method: clinical testing. Allele origin: germline.

Labcorp Genetics (formerly Invitae), Labcorp
Classification: Uncertain significance. Last evaluated: 2023-09-08. Review status: criteria provided, single submitter. Criteria: Invitae Variant Classification Sherloc (09022015). Collection method: clinical testing. Allele origin: germline.
Comment: This sequence change replaces alanine, which is neutral and non-polar, with valine, which is neutral and non-polar, at codon 169 of the TNFRSF9 protein (p.Ala169Val). This variant is present in population databases (rs144772280, gnomAD 0.08%). This variant has not been reported in the literature in individuals affected with TNFRSF9-related conditions. ClinVar contains an entry for this variant (Variation ID: 1386781). An algorithm developed to predict the effect of missense changes on protein structure and function (PolyPhen-2) suggests that this variant¬†is likely to be tolerated. In summary, the available evidence is currently insufficient to determine the role of this variant in disease. Therefore, it has been classified as a Variant of Uncertain Significance.

NM_001561.6(TNFRSF9):c.506C>T (p.Ala169Val)

Gene: TNFRSF9 (TNF receptor superfamily member 9; minus strand). Cytogenetic location: 1p36.23.
Variant type: single nucleotide variant.
Coding change: c.506C>T on transcript NM_001561.6 (MANE Select); coding-DNA position 506, C replaced by T.
Protein change: p.Ala169Val; replaces alanine 169 with valine.
Molecular consequence: missense variant.
Genome position (GRCh38, 1-based): chr1:7,935,051, G>A on the plus strand (C>T on the coding strand, the complement: TNFRSF9 is on the minus strand). VCF-style: chr1-7935051-G-A. GRCh37 (hg19) VCF-style: chr1-7995111-G-A.
Other names: c.506C>T (NM_001561.5); short protein forms A169V.
Identifiers: ClinVar variation 1386781 (VCV001386781.6), dbSNP rs144772280, ClinGen allele CA569201.
Genomic context (GRCh38, chr1:7,935,051, plus strand): 5'-CGTAAAGGCATAGCCCAGTTACCTGGCTCTCTCGCAGGGGCAGGCGGGGTCACAGAGGAT[G>A]CTCCCGGAGAGAGGTCGGCTGGAGATGGTCCACAGACCACGTCCCTCTCCTTCGTCCCAT-3'
Protein context (NP_001552.2, residues 159-179): GPSPADLSPG[Ala169Val]SSVTPPAPAR